The following is an entry in ClinVar:

ClinVar aggregate classification (germline): Uncertain significance (1 of 4 stars; one submission).

Conditions:
Familial temporal lobe epilepsy 7. Identifiers: Orphanet 101046, MedGen C4225327, MONDO:0014639, OMIM 616436.
Norman-Roberts syndrome (LIS2). Also called: Lissencephaly 2 (Norman-Roberts type). Identifiers: Orphanet 89844, MedGen C0796089, MONDO:0009760, OMIM 257320.

Allele frequency attached by ClinVar (database versions not stated): ExAC 0.00002; gnomAD exomes 0.00002; TOPMed 0.00004; gnomAD 0.00005 and 0.00006.
gnomAD v4.1: 31 of 1,614,004 alleles (0.0019%); highest among the groups gnomAD compares: African/African-American, 0.017%; no homozygotes.

Submission:

Labcorp Genetics (formerly Invitae), Labcorp
Classification: Uncertain significance for Familial temporal lobe epilepsy 7; Norman-Roberts syndrome. Last evaluated: 2025-01-27. Review status: criteria provided, single submitter. Criteria: Invitae Variant Classification Sherloc (09022015). Collection method: clinical testing. Allele origin: germline.
Comment: This sequence change replaces serine, which is neutral and polar, with leucine, which is neutral and non-polar, at codon 3149 of the RELN protein (p.Ser3149Leu). This variant is present in population databases (rs773908055, gnomAD 0.01%). This variant has not been reported in the literature in individuals affected with RELN-related conditions. ClinVar contains an entry for this variant (Variation ID: 578202). An algorithm developed to predict the effect of missense changes on protein structure and function (PolyPhen-2) suggests that this variant is likely to be tolerated. In summary, the available evidence is currently insufficient to determine the role of this variant in disease. Therefore, it has been classified as a Variant of Uncertain Significance.

NM_005045.4(RELN):c.9446C>T (p.Ser3149Leu)

Genes: SLC26A5-AS1 (SLC26A5 antisense RNA 1; plus strand), RELN (reelin; minus strand), LOC126860130 (BRD4-independent group 4 enhancer GRCh37_chr7:103130126-103131325; plus strand). Cytogenetic location: 7q22.1.
Variant type: single nucleotide variant.
Coding change: c.9446C>T on transcript NM_005045.4 (MANE Select); coding-DNA position 9446, C replaced by T.
Protein change: p.Ser3149Leu; replaces serine 3149 with leucine.
Molecular consequence: missense variant.
Genome position (GRCh38, 1-based): chr7:103,490,827, G>A on the plus strand (C>T on the coding strand, the complement: RELN is on the minus strand). VCF-style: chr7-103490827-G-A. GRCh37 (hg19) VCF-style: chr7-103131274-G-A.
Other names: c.9446C>T, p.Ser3149Leu (NM_173054.3); short protein forms S3149L.
Identifiers: ClinVar variation 578202 (VCV000578202.11), dbSNP rs773908055, ClinGen allele CA4420203.